The following is an entry in ClinVar:

NM_000455.5(STK11):c.1152G>A (p.Arg384=)

Gene: STK11 (serine/threonine kinase 11; plus strand). Cytogenetic location: 19p13.3.
Variant type: single nucleotide variant.
Coding change: c.1152G>A on transcript NM_000455.5 (MANE Select); coding-DNA position 1152, G replaced by A.
Protein change: p.Arg384=; no amino-acid change (arginine 384 retained).
Molecular consequence: synonymous variant. On other transcripts: non-coding transcript variant (1).
Genome position (GRCh38, 1-based): chr19:1,226,497, G>A. VCF-style: chr19-1226497-G-A. GRCh37 (hg19) VCF-style: chr19-1226496-G-A.
Identifiers: ClinVar variation 2125144 (VCV002125144.5), dbSNP rs786201491, ClinGen allele CA504708427.

ClinVar aggregate classification (germline): Benign/Likely benign. Review status: criteria provided, multiple submitters, no conflicts (2 of 4 stars). 2 submissions from 2 submitters: Benign (1); Likely benign (1). Last evaluated 2025-03-28.

Conditions:
Peutz-Jeghers syndrome (PJS). Also called: Peutz-Jeghers polyposis; Periorificial lentiginosis syndrome; POLYPOSIS, HAMARTOMATOUS INTESTINAL; POLYPS-AND-SPOTS SYNDROME. Identifiers: Orphanet 2869, MedGen C0031269, MeSH D010580, MONDO:0008280, OMIM 175200.

Submissions (2):

Myriad Genetics, Inc.
Classification: Benign for Peutz-Jeghers syndrome. Last evaluated: 2025-03-28. Review status: criteria provided, single submitter. Criteria: Myriad Autosomal Dominant, Autosomal Recessive and X-Linked Classification Criteria (2023). Collection method: clinical testing. Allele origin: unknown.
Comment: This variant is considered benign. This variant is a silent/synonymous amino acid change and it is not expected to impact splicing.

Labcorp Genetics (formerly Invitae), Labcorp
Classification: Likely benign for Peutz-Jeghers syndrome. Last evaluated: 2022-07-22. Review status: criteria provided, single submitter. Criteria: Invitae Variant Classification Sherloc (09022015). Collection method: clinical testing. Allele origin: germline.